The following is an entry in ClinVar:

ClinVar aggregate classification (germline): Uncertain significance (1 of 4 stars; one submission).

Conditions:
46,XY sex reversal 9 (SRXY9). Also called: 46,XY SEX REVERSAL, ZFPM2-RELATED. Identifiers: Orphanet 251510, MedGen C4015129, MONDO:0014480, OMIM 616067.

Allele frequency attached by ClinVar (database versions not stated): ExAC 0.00001; gnomAD exomes 0.00001; gnomAD 0.00004; TOPMed 0.00004.
gnomAD v4.1: 18 of 1,611,170 alleles (0.0011%); highest among the groups gnomAD compares: African/African-American, 0.023%; no homozygotes.

Submission:

Labcorp Genetics (formerly Invitae), Labcorp
Classification: Uncertain significance for 46,XY sex reversal 9. Last evaluated: 2023-04-12. Review status: criteria provided, single submitter. Criteria: Invitae Variant Classification Sherloc (09022015). Collection method: clinical testing. Allele origin: germline.
Comment: In summary, the available evidence is currently insufficient to determine the role of this variant in disease. Therefore, it has been classified as a Variant of Uncertain Significance. Variants that disrupt the consensus splice site are a relatively common cause of aberrant splicing (PMID: 17576681, 9536098). Algorithms developed to predict the effect of sequence changes on RNA splicing suggest that this variant is not likely to affect RNA splicing. This variant has not been reported in the literature in individuals affected with ZFPM2-related conditions. This variant is present in population databases (rs749813399, gnomAD 0.02%). This sequence change falls in intron 7 of the ZFPM2 gene. It does not directly change the encoded amino acid sequence of the ZFPM2 protein. It affects a nucleotide within the consensus splice site.

Literature cited by the submitters: PubMed 17576681; PubMed 9536098.

NM_012082.4(ZFPM2):c.964+4A>C

Genes: ZFPM2 (zinc finger protein, FOG family member 2; plus strand), ZFPM2-AS1 (ZFPM2 antisense RNA 1; minus strand). Cytogenetic location: 8q23.1.
Variant type: single nucleotide variant.
Coding change: c.964+4A>C on transcript NM_012082.4 (MANE Select); 4 bases into the intron after coding-DNA position 964, A replaced by C.
Molecular consequence: intron variant.
Genome position (GRCh38, 1-based): chr8:105,798,952, A>C. VCF-style: chr8-105798952-A-C. GRCh37 (hg19) VCF-style: chr8-106811180-A-C.
Other names: c.805+4A>C (NM_001362836.2); c.568+4A>C (NM_001362837.2).
Identifiers: ClinVar variation 2739373 (VCV002739373.3), dbSNP rs749813399, ClinGen allele CA4839663.